The following is an entry in ClinVar:

NM_080473.5(GATA5):c.303del (p.Gly103fs)

Gene: GATA5 (GATA binding protein 5; minus strand). Cytogenetic location: 20q13.33.
Variant type: Deletion.
Coding change: c.303del on transcript NM_080473.5 (MANE Select); coding-DNA position 303, one base deleted (G; older notation c.303delG).
Protein change: p.Gly103fs; shifts the reading frame from glycine 103.
Molecular consequence: frameshift variant.
Genome position (GRCh38, 1-based): chr20:62,475,219, C deleted on the plus strand (G on the coding strand, the reverse complement: GATA5 is on the minus strand); the first of 4 consecutive C bases (chr20:62,475,219-62,475,222); deleting any one gives the same sequence. VCF-style (leftmost placement, unchanged base first): chr20-62475218-GC-G. GRCh37 (hg19) VCF-style: chr20-61050274-GC-G.
Other names: short protein forms G103fs.
Identifiers: ClinVar variation 3681006 (VCV003681006.2).

ClinVar aggregate classification (germline): Uncertain significance (1 of 4 stars; one submission).

Submission:

Labcorp Genetics (formerly Invitae), Labcorp
Classification: Uncertain significance. Last evaluated: 2024-04-07. Review status: criteria provided, single submitter. Criteria: Invitae Variant Classification Sherloc (09022015). Collection method: clinical testing. Allele origin: germline.
Comment: This sequence change creates a premature translational stop signal (p.Gly103Alafs*44) in the GATA5 gene. It is expected to result in an absent or disrupted protein product. However, the current clinical and genetic evidence is not sufficient to establish whether loss-of-function variants in GATA5 cause disease. This variant is not present in population databases (gnomAD no frequency). This variant has not been reported in the literature in individuals affected with GATA5-related conditions. In summary, the available evidence is currently insufficient to determine the role of this variant in disease. Therefore, it has been classified as a Variant of Uncertain Significance.